The following is an entry in ClinVar:

ClinVar aggregate classification (germline): Uncertain significance (1 of 4 stars; one submission).

gnomAD v4.1: 2 of 1,556,072 alleles (0.00013%); highest among the groups gnomAD compares: Non-Finnish European, 0.00017%; no homozygotes.

Submission:

GeneDx
Classification: Uncertain significance. Last evaluated: 2022-06-14. Review status: criteria provided, single submitter. Criteria: GeneDx Variant Classification Process June 2021. Collection method: clinical testing. Allele origin: germline. Affected: yes.
Comment: Not observed at significant frequency in large population cohorts (gnomAD); In silico analysis supports that this missense variant has a deleterious effect on protein structure/function; Has not been previously published as pathogenic or benign to our knowledge

NM_001005273.3(CHD3):c.5404C>A (p.Gln1802Lys)

Gene: CHD3 (chromodomain helicase DNA binding protein 3; plus strand). Cytogenetic location: 17p13.1.
Variant type: single nucleotide variant.
Coding change: c.5404C>A on transcript NM_001005273.3 (MANE Select); coding-DNA position 5404, C replaced by A.
Protein change: p.Gln1802Lys; replaces glutamine 1802 with lysine.
Molecular consequence: missense variant.
Genome position (GRCh38, 1-based): chr17:7,909,152, C>A. VCF-style: chr17-7909152-C-A. GRCh37 (hg19) VCF-style: chr17-7812470-C-A.
Other names: c.5581C>A, p.Gln1861Lys (NM_001005271.3); c.5302C>A, p.Gln1768Lys (NM_005852.4); short protein forms Q1768K, Q1802K, Q1861K.
Identifiers: ClinVar variation 1804373 (VCV001804373.1), dbSNP rs1443276023, ClinGen allele CA397949835.